The following is an entry in ClinVar:

NM_000214.3(JAG1):c.3560A>G (p.Asn1187Ser)

Gene: JAG1 (jagged canonical Notch ligand 1; minus strand). Cytogenetic location: 20p12.2.
Variant type: single nucleotide variant.
Coding change: c.3560A>G on transcript NM_000214.3 (MANE Select); coding-DNA position 3560, A replaced by G.
Protein change: p.Asn1187Ser; replaces asparagine 1187 with serine.
Molecular consequence: missense variant.
Genome position (GRCh38, 1-based): chr20:10,639,595, T>C on the plus strand (A>G on the coding strand, the complement: JAG1 is on the minus strand). VCF-style: chr20-10639595-T-C. GRCh37 (hg19) VCF-style: chr20-10620243-T-C.
Other names: c.3560A>G, p.Asn1187Ser (LRG_1191t1); c.3560A>G (NM_000214.2); short protein forms N1187S.
Identifiers: ClinVar variation 499247 (VCV000499247.12), dbSNP rs755420729, ClinGen allele CA9764188.
Genomic context (GRCh38, chr20:10,639,595, plus strand): 5'-CTTTCCAAGTCTCTGTTGTCCTGTTTGTTTGTCCAGTTTGGGTGTTTTGTCGGCGTGCCG[T>C]TGGGGGGCTTCTCTTCTCTGTCTACCAGCGTGTACGCCGGCTGCTTGGCAAACCGGGCTT-3'
Protein context (NP_000205.1, residues 1177-1197): TLVDREEKPP[Asn1187Ser]GTPTKHPNWT

ClinVar aggregate classification (germline): Conflicting classifications of pathogenicity. Review status: criteria provided, conflicting classifications (1 of 4 stars). 4 submissions from 4 submitters: Uncertain significance (2); Likely benign (2). Last evaluated 2025-04-02.

Conditions:
JAG1-related disorder. Also called: JAG1-related disorders; JAG1-related condition.
Alagille syndrome due to a JAG1 point mutation. Also called: HEPATIC DUCTULAR HYPOPLASIA, SYNDROMATIC; JAG1-Related Alagille Syndrome; Alagille Syndrome 1. Identifiers: Orphanet 261619, Orphanet 52, MedGen C1956125, MONDO:0016862, OMIM 118450.

Allele frequency attached by ClinVar (database versions not stated): gnomAD exomes 0.00001 and 0.00004; TOPMed 0.00001; ExAC 0.00006.

Submissions (4):

Labcorp Genetics (formerly Invitae), Labcorp
Classification: Likely benign for Alagille syndrome due to a JAG1 point mutation. Last evaluated: 2025-04-02. Review status: criteria provided, single submitter. Criteria: Invitae Variant Classification Sherloc (09022015). Collection method: clinical testing. Allele origin: germline.

PreventionGenetics, part of Exact Sciences
Classification: Uncertain significance for JAG1-related condition. Last evaluated: 2024-11-06. Review status: criteria provided, single submitter. Criteria: ACMG Guidelines, 2015. Collection method: clinical testing. Allele origin: germline.
Comment: The JAG1 c.3560A>G variant is predicted to result in the amino acid substitution p.Asn1187Ser. To our knowledge, this variant has not been reported in the literature. This variant is reported in 0.029% of alleles in individuals of Latino descent in gnomAD. Although we suspect that this variant may be benign, at this time, the clinical significance of this variant is uncertain due to the absence of conclusive functional and genetic evidence.

Blueprint Genetics
Classification: Likely benign. Last evaluated: 2024-06-06. Review status: criteria provided, single submitter. Criteria: ACMG Guidelines, 2015. Collection method: clinical testing. Allele origin: germline.

Eurofins Ntd Llc (ga)
Classification: Uncertain significance. Last evaluated: 2016-12-13. Review status: criteria provided, single submitter. Criteria: EGL Classification Definitions 2015. Collection method: clinical testing. Allele origin: germline. Observed: 1 variant allele, 1 heterozygote.